The following is an entry in ClinVar:

NM_001042492.3(NF1):c.6373C>G (p.Leu2125Val)

Gene: NF1 (neurofibromin 1; plus strand). Cytogenetic location: 17q11.2.
Variant type: single nucleotide variant.
Coding change: c.6373C>G on transcript NM_001042492.3 (MANE Select); coding-DNA position 6373, C replaced by G.
Protein change: p.Leu2125Val; replaces leucine 2125 with valine.
Molecular consequence: missense variant.
Genome position (GRCh38, 1-based): chr17:31,336,860, C>G. VCF-style: chr17-31336860-C-G. GRCh37 (hg19) VCF-style: chr17-29663878-C-G.
Other names: c.6310C>G, p.Leu2104Val (NM_000267.4); short protein forms L2104V, L2125V.
Identifiers: ClinVar variation 188360 (VCV000188360.5), dbSNP rs786204236, ClinGen allele CA334719.

ClinVar aggregate classification (germline): Uncertain significance (1 of 4 stars; one submission).

Conditions:
Neurofibromatosis, type 1 (NF1). Also called: NEUROFIBROMATOSIS, TYPE I, SOMATIC; VON RECKLINGHAUSEN DISEASE; Peripheral type neurofibromatosis; Neurofibromatosis, type I. Identifiers: Orphanet 636, MedGen C0027831, MONDO:0018975, OMIM 162200. Disease mechanism: loss of function.

Submission:

Labcorp Genetics (formerly Invitae), Labcorp
Classification: Uncertain significance for Neurofibromatosis, type 1. Last evaluated: 2020-09-08. Review status: criteria provided, single submitter. Criteria: Invitae Variant Classification Sherloc (09022015). Collection method: clinical testing. Allele origin: germline.
Comment: This sequence change replaces leucine with valine at codon 2104 of the NF1 protein (p.Leu2104Val). The leucine residue is highly conserved and there is a small physicochemical difference between leucine and valine. This variant is not present in population databases (ExAC no frequency). This variant has not been reported in the literature in individuals with NF1-related conditions. ClinVar contains an entry for this variant (Variation ID: 188360). Experimental studies and prediction algorithms are not available or were not evaluated, and the functional significance of this variant is currently unknown. In summary, the available evidence is currently insufficient to determine the role of this variant in disease. Therefore, it has been classified as a Variant of Uncertain Significance.